The following is an entry in ClinVar:

NM_170784.3(MKKS):c.1294A>G (p.Ile432Val)

Gene: MKKS (MKKS centrosomal shuttling protein; minus strand). Cytogenetic location: 20p12.2.
Variant type: single nucleotide variant.
Coding change: c.1294A>G on transcript NM_170784.3 (MANE Select); coding-DNA position 1294, A replaced by G.
Protein change: p.Ile432Val; replaces isoleucine 432 with valine.
Molecular consequence: missense variant. On other transcripts: non-coding transcript variant (1).
Genome position (GRCh38, 1-based): chr20:10,405,666, T>C on the plus strand (A>G on the coding strand, the complement: MKKS is on the minus strand). VCF-style: chr20-10405666-T-C. GRCh37 (hg19) VCF-style: chr20-10386314-T-C.
Other names: c.1294A>G, p.Ile432Val (NM_018848.3); short protein forms I432V.
Identifiers: ClinVar variation 4993584 (VCV004993584.1).
Genomic context (GRCh38, chr20:10,405,666, plus strand): 5'-TGCAAAATGCTTCAGCAATTAATTGAAGTTCTGTTTGAGTACATTCATCATCTTTGAGAA[T>C]GCTTTCTGGGTCGTTGTGAGTCTAAAGAGTAATAAAAACATTGAAAACACATACAAAGCA-3'
Protein context (NP_740754.1, residues 422-442): RHKTHNDPES[Ile432Val]LKDDECTQTE

ClinVar aggregate classification (germline): Uncertain significance (1 of 4 stars; one submission).

Conditions:
MKKS-related disorder. Also called: MKKS-related disorders; MKKS-related condition.

gnomAD v4.1: 2 of 1,614,102 alleles (0.00012%); highest among the groups gnomAD compares: Non-Finnish European, 0.00017%; no homozygotes.

Submission:

PreventionGenetics, part of Exact Sciences
Classification: Uncertain significance for MKKS-related condition. Last evaluated: 2026-07-02. Review status: criteria provided, single submitter. Criteria: ACMG Guidelines, 2015. Collection method: clinical testing. Allele origin: germline.
Comment: The MKKS c.1294A>G variant is predicted to result in the amino acid substitution p.Ile432Val. To our knowledge, this variant has not been reported in the literature or in a large population database (gnomAD), indicating this variant is rare. At this time, the clinical significance of this variant is uncertain due to the absence of conclusive functional and genetic evidence.